The following is an entry in ClinVar:

NM_000152.5(GAA):c.1961C>T (p.Ser654Leu)

Gene: GAA (alpha glucosidase; plus strand). Cytogenetic location: 17q25.3.
Variant type: single nucleotide variant.
Coding change: c.1961C>T on transcript NM_000152.5 (MANE Select); coding-DNA position 1961, C replaced by T.
Protein change: p.Ser654Leu; replaces serine 654 with leucine.
Molecular consequence: missense variant.
Genome position (GRCh38, 1-based): chr17:80,112,948, C>T. VCF-style: chr17-80112948-C-T. GRCh37 (hg19) VCF-style: chr17-78086747-C-T.
Other names: c.1961C>T, p.Ser654Leu (NM_001079803.3, NM_001079804.3, NM_001406741.1 and 1 more transcripts); short protein forms S654L.
Identifiers: ClinVar variation 3233834 (VCV003233834.2), dbSNP rs1057518106, ClinGen allele CA401369961.
Genomic context (GRCh38, chr17:80,112,948, plus strand): 5'-TTAACCTGCTGGGGGTGCCTCTGGTCGGGGCCGACGTCTGCGGCTTCCTGGGCAACACCT[C>T]AGAGGAGCTGTGTGTGCGCTGGACCCAGCTGGGGGCCTTCTACCCCTTCATGCGGAACCA-3'
Protein context (NP_000143.2, residues 644-664): ADVCGFLGNT[Ser654Leu]EELCVRWTQL

ClinVar aggregate classification (germline): Uncertain significance (1 of 4 stars; one submission).

Allele frequency attached by ClinVar (database versions not stated): gnomAD exomes below 0.00001.
gnomAD v4.1: 5 of 1,610,674 alleles (0.00031%); highest among the groups gnomAD compares: Non-Finnish European, 0.00042%; no homozygotes.

Submission:

Women's Health and Genetics/Laboratory Corporation of America, LabCorp
Classification: Uncertain significance. Last evaluated: 2024-03-21. Review status: criteria provided, single submitter. Criteria: LabCorp Variant Classification Summary - May 2015. Collection method: clinical testing. Allele origin: germline.
Comment: Variant summary: GAA c.1961C>T (p.Ser654Leu) results in a non-conservative amino acid change located in the Glycoside hydrolase family 31, TIM barrel domain (IPR000322) of the encoded protein sequence. Three of five in-silico tools predict a damaging effect of the variant on protein function. The variant was absent in 242422 control chromosomes (gnomAD). The available data on variant occurrences in the general population are insufficient to allow any conclusion about variant significance. To our knowledge, no occurrence of c.1961C>T in individuals affected with Glycogen Storage Disease, Type 2 (Pompe Disease) and no experimental evidence demonstrating its impact on protein function have been reported. No submitters have cited clinical-significance assessments for this variant to ClinVar. Based on the evidence outlined above, the variant was classified as uncertain significance.